The following is an entry in ClinVar:

NM_000081.4(LYST):c.130C>T (p.Gln44Ter)

Gene: LYST (lysosomal trafficking regulator; minus strand). Cytogenetic location: 1q42.3.
Variant type: single nucleotide variant.
Coding change: c.130C>T on transcript NM_000081.4 (MANE Select); coding-DNA position 130, C replaced by T.
Protein change: p.Gln44Ter; replaces glutamine 44 with a stop codon.
Molecular consequence: nonsense. On other transcripts: non-coding transcript variant (1).
Genome position (GRCh38, 1-based): chr1:235,830,288, G>A on the plus strand (C>T on the coding strand, the complement: LYST is on the minus strand). VCF-style: chr1-235830288-G-A. GRCh37 (hg19) VCF-style: chr1-235993588-G-A.
Other names: c.130C>T, p.Gln44Ter (NM_001301365.1); short protein forms Q44*.
Identifiers: ClinVar variation 2749854 (VCV002749854.3), dbSNP rs756716492, ClinGen allele CA1467722.

ClinVar aggregate classification (germline): Pathogenic (1 of 4 stars; one submission).

Conditions:
Chédiak-Higashi syndrome (CHS). Also called: Chediak-Higashi Syndrome. Identifiers: Orphanet 167, MedGen C0007965, MONDO:0008963, OMIM 214500.

Allele frequency attached by ClinVar (database versions not stated): ExAC 0.00001; gnomAD 0.00001.
gnomAD v4.1: 1 of 1,613,952 alleles (0.000062%); highest among the groups gnomAD compares: Non-Finnish European, 0.000085%; no homozygotes.

Submission:

Labcorp Genetics (formerly Invitae), Labcorp
Classification: Pathogenic for Chédiak-Higashi syndrome. Last evaluated: 2023-11-27. Review status: criteria provided, single submitter. Criteria: Invitae Variant Classification Sherloc (09022015). Collection method: clinical testing. Allele origin: germline.
Comment: This sequence change creates a premature translational stop signal (p.Gln44*) in the LYST gene. It is expected to result in an absent or disrupted protein product. Loss-of-function variants in LYST are known to be pathogenic (PMID: 9215679, 11857544). This variant is not present in population databases (gnomAD no frequency). This variant has not been reported in the literature in individuals affected with LYST-related conditions. For these reasons, this variant has been classified as Pathogenic.

Literature cited by the submitters: PubMed 9215679; PubMed 11857544.